The following is an entry in ClinVar:

NM_000744.7(CHRNA4):c.1175C>T (p.Pro392Leu)

Gene: CHRNA4 (cholinergic receptor nicotinic alpha 4 subunit; minus strand). Cytogenetic location: 20q13.33.
Variant type: single nucleotide variant.
Coding change: c.1175C>T on transcript NM_000744.7 (MANE Select); coding-DNA position 1175, C replaced by T.
Protein change: p.Pro392Leu; replaces proline 392 with leucine.
Molecular consequence: missense variant. On other transcripts: non-coding transcript variant (1).
Genome position (GRCh38, 1-based): chr20:63,350,236, G>A on the plus strand (C>T on the coding strand, the complement: CHRNA4 is on the minus strand). VCF-style: chr20-63350236-G-A. GRCh37 (hg19) VCF-style: chr20-61981588-G-A.
Other names: c.647C>T, p.Pro216Leu (NM_001256573.2); short protein forms P216L, P392L.
Identifiers: ClinVar variation 1338983 (VCV001338983.5), dbSNP rs2123471262, ClinGen allele CA409634196.

ClinVar aggregate classification (germline): Uncertain significance. Review status: criteria provided, multiple submitters, no conflicts (2 of 4 stars). 3 submissions from 2 submitters: Uncertain significance (3). Last evaluated 2024-06-22.

Conditions:
Familial sleep-related hypermotor epilepsy. Also called: Autosomal Dominant Sleep-Related Hypermotor (Hyperkinetic) Epilepsy. Identifiers: Orphanet 98784, MedGen C3696898, MONDO:0000030.
Developmental and epileptic encephalopathy 94 (DEE94). Also called: Epileptic encephalopathy, childhood-onset; CHD2-Related Neurodevelopmental Disorders. Identifiers: Orphanet 1942, Orphanet 2382, MedGen C3809278, MONDO:0014150, OMIM 615369.
Autosomal dominant nocturnal frontal lobe epilepsy 1. Also called: CHRNA4-Related Nocturnal Frontal Lobe Epilepsy, Autosomal Dominant; EPILEPSY, NOCTURNAL FRONTAL LOBE, TYPE 1. Identifiers: Orphanet 98784, MedGen C1838049, MONDO:0010899, OMIM 600513.

Submissions (3):

Labcorp Genetics (formerly Invitae), Labcorp
Classification: Uncertain significance. Last evaluated: 2024-06-22. Review status: criteria provided, single submitter. Criteria: Invitae Variant Classification Sherloc (09022015). Collection method: clinical testing. Allele origin: germline.
Comment: This sequence change replaces proline, which is neutral and non-polar, with leucine, which is neutral and non-polar, at codon 392 of the CHRNA4 protein (p.Pro392Leu). This variant is not present in population databases (gnomAD no frequency). This missense change has been observed in individual(s) with clinical features of CHRNA4-related conditions (PMID: 36801247). ClinVar contains an entry for this variant (Variation ID: 1338983). Advanced modeling of protein sequence and biophysical properties (such as structural, functional, and spatial information, amino acid conservation, physicochemical variation, residue mobility, and thermodynamic stability) performed at Invitae indicates that this missense variant is not expected to disrupt CHRNA4 protein function with a negative predictive value of 80%. In summary, the available evidence is currently insufficient to determine the role of this variant in disease. Therefore, it has been classified as a Variant of Uncertain Significance.

Neuberg Centre For Genomic Medicine, NCGM
Classification: Uncertain significance for Autosomal dominant nocturnal frontal lobe epilepsy 1. Review status: criteria provided, single submitter. Criteria: ACMG Guidelines, 2015. Collection method: clinical testing. Allele origin: germline. Affected: yes.
Comment: The missense variant p.P392L in CHRNA4 (NM_000744.7) has not been reported previously as a pathogenic variant nor as a benign variant, to our knowledge. The p.P392L variant is novel (not in any individuals) in gnomAD Exomes and is novel (not in any individuals) in 1000 Genomes. There is a moderate physicochemical difference between proline and leucine. In silico tools predict the variant to be tolearted and the residue is conserved across species. For these reasons, this variant has been classified as Uncertain Significance

Neuberg Centre For Genomic Medicine, NCGM
Classification: Uncertain significance for Developmental and epileptic encephalopathy 94. Review status: criteria provided, single submitter. Criteria: ACMG Guidelines, 2015. Collection method: clinical testing. Allele origin: germline. Affected: yes.
Comment: The missense variant p.V230I in CHD2 (NM_001271.4) has not been reported previously as a pathogenic variant nor as a benign variant, to our knowledge. It has been submitted to ClinVar as Uncertain significance. The missense variant c.688G>A (p.V230I) in CHD2 (NM_001271.4) is observed in 3/34404 (0.0087%) alleles from individuals of Latino background in the gnomAD dataset (Exome Aggregation Consortium et al., 2016), but was not seen in the homozygous state. For these reasons, this variant has been classified as Uncertain Significance

Literature cited by the submitters: PubMed 36801247 (cited by Labcorp Genetics (formerly Invitae), Labcorp).